The following is an entry in ClinVar:

ClinVar aggregate classification (germline): Likely benign (0 of 4 stars; one submission).

Conditions:
PKD1-related disorder. Also called: PKD1-related condition.

Allele frequency attached by ClinVar (database versions not stated): gnomAD exomes below 0.00001.
gnomAD v4.1: 2 of 1,605,046 alleles (0.00012%); highest among the groups gnomAD compares: Admixed American, 0.0017%; no homozygotes.

Submission:

PreventionGenetics, part of Exact Sciences
Classification: Likely benign for PKD1-related condition. Last evaluated: 2023-01-30. Review status: no assertion criteria provided. Collection method: clinical testing. Allele origin: germline.
Comment: This variant is classified as likely benign based on ACMG/AMP sequence variant interpretation guidelines (Richards et al. 2015 PMID: 25741868, with internal and published modifications).

NM_001009944.3(PKD1):c.7725A>G (p.Pro2575=)

Gene: PKD1 (polycystin 1, transient receptor potential channel interacting; minus strand). Cytogenetic location: 16p13.3.
Variant type: single nucleotide variant.
Coding change: c.7725A>G on transcript NM_001009944.3 (MANE Select); coding-DNA position 7725, A replaced by G.
Protein change: p.Pro2575=; no amino-acid change (proline 2575 retained).
Molecular consequence: synonymous variant.
Genome position (GRCh38, 1-based): chr16:2,106,003, T>C on the plus strand (A>G on the coding strand, the complement: PKD1 is on the minus strand). VCF-style: chr16-2106003-T-C. GRCh37 (hg19) VCF-style: chr16-2156004-T-C.
Other names: c.7725A>G, p.Pro2575= (NM_000296.4).
Identifiers: ClinVar variation 3055400 (VCV003055400.2), dbSNP rs1466412515, ClinGen allele CA492970708.
Genomic context (GRCh38, chr16:2,106,003, plus strand): 5'-CACACTAGCGGTGAGCCCGTGCAGCCAGACTGTGAGCCCCGTTGCGCTGCCGTTGGGCTC[T>C]GGGAGGGTGATGGCCAAAGACCTACGAGCAGAGGGGGGTGGTGAGCAGGTGGCAGTCTCG-3'
Protein context (NP_001009944.3, residues 2565-2585): ALNRSLAITL[Pro2575=]EPNGSATGLT